The following is an entry in ClinVar:

NM_001605.3(AARS1):c.2527G>C (p.Glu843Gln)

Gene: AARS1 (alanyl-tRNA synthetase 1; minus strand). Cytogenetic location: 16q22.1.
Variant type: single nucleotide variant.
Coding change: c.2527G>C on transcript NM_001605.3 (MANE Select); coding-DNA position 2527, G replaced by C.
Protein change: p.Glu843Gln; replaces glutamic acid 843 with glutamine.
Molecular consequence: missense variant.
Genome position (GRCh38, 1-based): chr16:70,253,794, C>G on the plus strand (G>C on the coding strand, the complement: AARS1 is on the minus strand). VCF-style: chr16-70253794-C-G. GRCh37 (hg19) VCF-style: chr16-70287697-C-G.
Other names: short protein forms E843Q.
Identifiers: ClinVar variation 1986036 (VCV001986036.4), dbSNP rs2506989456, ClinGen allele CA396555085.
Genomic context (GRCh38, chr16:70,253,794, plus strand): 5'-CCATCTCCAGGATGACAAGAGGCTGGTTGGGGTTGCTGTCGATGAACTGCTTCGTCTTCT[C>G]TAACACCTGCAAGAAAAAAGTCCAGAACAGCAGCTCAGACCAAAAGCCCAGGCCCCGAAC-3'
Protein context (NP_001596.2, residues 833-853): SKADVQKRVL[Glu843Gln]KTKQFIDSNP

ClinVar aggregate classification (germline): Uncertain significance (1 of 4 stars; one submission).

Conditions:
Charcot-Marie-Tooth disease type 2. Also called: Charcot-Marie-Tooth type 2. Identifiers: Orphanet 64746, MedGen C0270914, MONDO:0018993.

gnomAD v4.1: 3 of 1,614,216 alleles (0.00019%); highest among the groups gnomAD compares: Non-Finnish European, 0.00025%; no homozygotes.

Submission:

Labcorp Genetics (formerly Invitae), Labcorp
Classification: Uncertain significance for Charcot-Marie-Tooth disease type 2. Last evaluated: 2022-06-27. Review status: criteria provided, single submitter. Criteria: Invitae Variant Classification Sherloc (09022015). Collection method: clinical testing. Allele origin: germline.
Comment: This sequence change replaces glutamic acid, which is acidic and polar, with glutamine, which is neutral and polar, at codon 843 of the AARS protein (p.Glu843Gln). This variant is not present in population databases (gnomAD no frequency). This variant has not been reported in the literature in individuals affected with AARS-related conditions. Algorithms developed to predict the effect of missense changes on protein structure and function are either unavailable or do not agree on the potential impact of this missense change (SIFT: "Tolerated"; PolyPhen-2: "Possibly Damaging"; Align-GVGD: "Class C0"). In summary, the available evidence is currently insufficient to determine the role of this variant in disease. Therefore, it has been classified as a Variant of Uncertain Significance.